The following is an entry in ClinVar:

NM_022124.6(CDH23):c.9782dup (p.Gly3262fs)

Gene: CDH23 (cadherin related 23; plus strand). Cytogenetic location: 10q22.1.
Variant type: Duplication.
Coding change: c.9782dup on transcript NM_022124.6 (MANE Select); coding-DNA position 9782, one base duplicated (C; older notation c.9782dupC).
Protein change: p.Gly3262fs; shifts the reading frame from glycine 3262.
Molecular consequence: frameshift variant.
Genome position (GRCh38, 1-based): chr10:71,814,995, C duplicated; the last of 3 consecutive C bases (chr10:71,814,993-71,814,995); duplicating any one gives the same sequence. VCF-style (leftmost placement, unchanged base first): chr10-71814992-G-GC. GRCh37 (hg19) VCF-style: chr10-73574749-G-GC.
Other names: c.3062dup, p.Gly1022fs (NM_001171933.1); c.2957dup, p.Gly987fs (NM_001171934.1); c.473dup, p.Gly159fs (NM_001171935.1); c.368dup, p.Gly124fs (NM_001171936.1); short protein forms G1022fs, G159fs, G124fs, G987fs, G3262fs.
Identifiers: ClinVar variation 1967224 (VCV001967224.3), dbSNP rs927557088, ClinGen allele CA209447595.
Genomic context (GRCh38, chr10:71,814,992, plus strand): 5'-GGGGTCCCGGCCTCTTGCAGCTGATACAGACTGAGCTGGACGAGGAGCCAGGAGACCACA[G>GC]CCCAGGGCAGGGTAGCCTGCGCTTCCGCCACAAGCCACCAGTGGAGCTCAAGGGGCCCGA-3'

ClinVar aggregate classification (germline): Uncertain significance. Review status: criteria provided, multiple submitters, no conflicts (2 of 4 stars). 2 submissions from 2 submitters: Uncertain significance (2). Last evaluated 2022-03-10.

Submissions (2):

Labcorp Genetics (formerly Invitae), Labcorp
Classification: Uncertain significance. Last evaluated: 2022-03-10. Review status: criteria provided, single submitter. Criteria: Invitae Variant Classification Sherloc (09022015). Collection method: clinical testing. Allele origin: germline.
Comment: This sequence change creates a premature translational stop signal (p.Gly3262Argfs*4) in the CDH23 gene. While this is not anticipated to result in nonsense mediated decay, it is expected to disrupt the last 93 amino acid(s) of the CDH23 protein. This variant is not present in population databases (gnomAD no frequency). This variant has not been reported in the literature in individuals affected with CDH23-related conditions. In summary, the available evidence is currently insufficient to determine the role of this variant in disease. Therefore, it has been classified as a Variant of Uncertain Significance.

Blueprint Genetics
Classification: Uncertain significance. Last evaluated: 2019-07-23. Review status: criteria provided, single submitter. Criteria: ACMG Guidelines, 2015. Collection method: clinical testing. Allele origin: germline.